The following is an entry in ClinVar:

NM_012330.4(KAT6B):c.5140C>G (p.Leu1714Val)

Gene: KAT6B (lysine acetyltransferase 6B; plus strand). Cytogenetic location: 10q22.2.
Variant type: single nucleotide variant.
Coding change: c.5140C>G on transcript NM_012330.4 (MANE Select); coding-DNA position 5140, C replaced by G.
Protein change: p.Leu1714Val; replaces leucine 1714 with valine.
Molecular consequence: missense variant.
Genome position (GRCh38, 1-based): chr10:75,029,964, C>G. VCF-style: chr10-75029964-C-G. GRCh37 (hg19) VCF-style: chr10-76789722-C-G.
Other names: c.4591C>G, p.Leu1531Val (NM_001256468.2, NM_001370138.1); c.4264C>G, p.Leu1422Val (NM_001256469.2, NM_001370139.1, NM_001370140.1 and 2 more transcripts); c.4102C>G, p.Leu1368Val (NM_001370132.1); c.3451C>G, p.Leu1151Val (NM_001370133.1); c.3055C>G, p.Leu1019Val (NM_001370134.1); c.2797C>G, p.Leu933Val (NM_001370135.1); c.5140C>G, p.Leu1714Val (NM_001370136.1, NM_001370137.1); c.4075C>G, p.Leu1359Val (NM_001370143.1, NM_001370144.1); short protein forms L1019V, L1151V, L1359V, L1368V, L1422V, L1531V, L1714V, L933V.
Identifiers: ClinVar variation 3616766 (VCV003616766.2).

ClinVar aggregate classification (germline): Uncertain significance (1 of 4 stars; one submission).

Conditions:
Genitopatellar syndrome (GTPTS). Also called: ABSENT PATELLAE, SCROTAL HYPOPLASIA, RENAL ANOMALIES, FACIAL DYSMORPHISM, AND MENTAL RETARDATION; Genitopatellar syndrome (GPS). Identifiers: Orphanet 85201, MedGen C1853566, MONDO:0011640, OMIM 606170.

Submission:

Labcorp Genetics (formerly Invitae), Labcorp
Classification: Uncertain significance for Genitopatellar syndrome. Last evaluated: 2024-12-30. Review status: criteria provided, single submitter. Criteria: Invitae Variant Classification Sherloc (09022015). Collection method: clinical testing. Allele origin: germline.
Comment: This sequence change replaces leucine, which is neutral and non-polar, with valine, which is neutral and non-polar, at codon 1714 of the KAT6B protein (p.Leu1714Val). This variant is not present in population databases (gnomAD no frequency). This variant has not been reported in the literature in individuals affected with KAT6B-related conditions. An algorithm developed to predict the effect of missense changes on protein structure and function (PolyPhen-2) suggests that this variant is likely to be disruptive. In summary, the available evidence is currently insufficient to determine the role of this variant in disease. Therefore, it has been classified as a Variant of Uncertain Significance.